The following is an entry in ClinVar:

ClinVar aggregate classification (germline): Uncertain significance (1 of 4 stars; one submission).

Conditions:
Marbach-Rustad progeroid syndrome. Identifiers: Orphanet 659873, MedGen C5543388, MONDO:0859147, OMIM 619322.

gnomAD v4.1: 1 of 1,274,056 alleles (0.000078%); highest among the groups gnomAD compares: African/African-American, 0.0016%; no homozygotes.

Submission:

Clinical Genomics Laboratory, Washington University in St. Louis
Classification: Uncertain significance for Marbach-Rustad progeroid syndrome. Last evaluated: 2025-10-14. Review status: criteria provided, single submitter. Criteria: ACMG Guidelines, 2015. Collection method: clinical testing. Allele origin: germline.
Comment: The LEMD2 c.488G>C (p.Trp163Ser) variant, to our knowledge, has not been reported in the medical literature. This variant is only observed in 1/1,274,056 alleles in the general population (gnomAD v.4.1.1), indicating it is not a common variant. Computational predictors are uncertain as to the impact of this variant on LEMD2 function. Due to limited information, the clinical significance of this variant is uncertain.

NM_181336.4(LEMD2):c.488G>C (p.Trp163Ser)

Gene: LEMD2 (LEM domain nuclear envelope protein 2; minus strand). Cytogenetic location: 6p21.31.
Variant type: single nucleotide variant.
Coding change: c.488G>C on transcript NM_181336.4 (MANE Select); coding-DNA position 488, G replaced by C.
Protein change: p.Trp163Ser; replaces tryptophan 163 with serine.
Molecular consequence: missense variant. On other transcripts: intron variant (2).
Genome position (GRCh38, 1-based): chr6:33,788,629, C>G on the plus strand (G>C on the coding strand, the complement: LEMD2 is on the minus strand). VCF-style: chr6-33788629-C-G. GRCh37 (hg19) VCF-style: chr6-33756406-C-G.
Other names: c.342+146G>C (NM_001348710.2); c.-171+146G>C (NM_001348709.2); short protein forms W163S.
Identifiers: ClinVar variation 4879481 (VCV004879481.1).